The following is an entry in ClinVar:

NM_001267550.2(TTN):c.59872G>T (p.Gly19958Ter)

Genes: TTN-AS1 (TTN antisense RNA 1; plus strand), TTN (titin; minus strand), LOC126806424 (CDK7 strongly-dependent group 2 enhancer GRCh37_chr2:179456337-179457536; plus strand). Cytogenetic location: 2q31.2.
Variant type: single nucleotide variant.
Coding change: c.59872G>T on transcript NM_001267550.2 (MANE Select); coding-DNA position 59872, G replaced by T.
Protein change: p.Gly19958Ter; replaces glycine 19958 with a stop codon.
Molecular consequence: nonsense.
Genome position (GRCh38, 1-based): chr2:178,592,032, C>A on the plus strand (G>T on the coding strand, the complement: TTN is on the minus strand). VCF-style: chr2-178592032-C-A. GRCh37 (hg19) VCF-style: chr2-179456759-C-A.
Other names: c.54949G>T, p.Gly18317Ter (NM_001256850.1); c.32677G>T, p.Gly10893Ter (NM_003319.4); c.52168G>T, p.Gly17390Ter (NM_133378.4); c.33052G>T, p.Gly11018Ter (NM_133432.3); c.33253G>T, p.Gly11085Ter (NM_133437.4); short protein forms G10893*, G11018*, G11085*, G17390*, G18317*, G19958*.
Identifiers: ClinVar variation 3757569 (VCV003757569.2).

ClinVar aggregate classification (germline): Likely pathogenic (1 of 4 stars; one submission).

Conditions:
Dilated cardiomyopathy 1G (CMD1G). Identifiers: Orphanet 154, MedGen C1858763, MONDO:0011400, OMIM 604145.
Autosomal recessive limb-girdle muscular dystrophy type 2J (LGMDR10). Also called: Limb-girdle muscular dystrophy, type 2J; MUSCULAR DYSTROPHY, LIMB-GIRDLE, AUTOSOMAL RECESSIVE 10. Identifiers: Orphanet 140922, MedGen C1837342, MONDO:0012127, OMIM 608807.

Submission:

Labcorp Genetics (formerly Invitae), Labcorp
Classification: Likely pathogenic for Dilated cardiomyopathy 1G; Autosomal recessive limb-girdle muscular dystrophy type 2J. Last evaluated: 2025-11-12. Review status: criteria provided, single submitter. Criteria: Invitae Variant Classification Sherloc (09022015). Collection method: clinical testing. Allele origin: germline.
Comment: This sequence change creates a premature translational stop signal (p.Gly19958*) in the TTN gene. While this is not anticipated to result in nonsense mediated decay, it is expected to create a truncated TTN protein. This variant is not present in population databases (gnomAD no frequency). This variant has not been reported in the literature in individuals affected with TTN-related conditions. ClinVar contains an entry for this variant (Variation ID: 3757569). This variant is located in the A band of TTN (PMID: 25589632). Truncating variants in this region are significantly overrepresented in patients affected with dilated cardiomyopathy (PMID: 25589632). Truncating variants in this region have also been reported in individuals affected with autosomal recessive centronuclear myopathy (PMID: 23975875). In summary, the currently available evidence indicates that the variant is pathogenic, but additional data are needed to prove that conclusively. Therefore, this variant has been classified as Likely Pathogenic.

Literature cited by the submitters: PubMed 25589632; PubMed 23975875.